The following is an entry in ClinVar:

NM_000222.3(KIT):c.2652G>T (p.Lys884Asn)

Gene: KIT (KIT proto-oncogene, receptor tyrosine kinase; plus strand). Cytogenetic location: 4q12.
Variant type: single nucleotide variant.
Coding change: c.2652G>T on transcript NM_000222.3 (MANE Select); coding-DNA position 2652, G replaced by T.
Protein change: p.Lys884Asn; replaces lysine 884 with asparagine.
Molecular consequence: missense variant.
Genome position (GRCh38, 1-based): chr4:54,736,776, G>T. VCF-style: chr4-54736776-G-T. GRCh37 (hg19) VCF-style: chr4-55602942-G-T.
Other names: c.2640G>T, p.Lys880Asn (NM_001093772.2, NM_001385292.1); c.2655G>T, p.Lys885Asn (NM_001385284.1); c.2649G>T, p.Lys883Asn (NM_001385285.1); c.2637G>T, p.Lys879Asn (NM_001385286.1); c.2643G>T, p.Lys881Asn (NM_001385288.1); c.2652G>T, p.Lys884Asn (NM_001385290.1); c.2652G>T (NM_000222.2); short protein forms K881N, K880N, K883N, K879N, K885N, K884N.
Identifiers: ClinVar variation 1398713 (VCV001398713.9), dbSNP rs374440815, ClinGen allele CA2923818.

ClinVar aggregate classification (germline): Uncertain significance. Review status: criteria provided, multiple submitters, no conflicts (2 of 4 stars). 2 submissions from 2 submitters: Uncertain significance (2). Last evaluated 2023-11-29.

Conditions:
Hereditary cancer-predisposing syndrome. Also called: Tumor predisposition; Hereditary Cancer Syndrome; Hereditary neoplastic syndrome; Neoplastic Syndromes, Hereditary. Identifiers: Orphanet 140162, MedGen C0027672, MeSH D009386, MONDO:0015356.
Gastrointestinal stromal tumor. Also called: Gastrointestinal stroma tumor; Gastrointestinal stromal tumor, somatic. Identifiers: Orphanet 44890, MedGen C0238198, MeSH D046152, MONDO:0011719, OMIM 606764, HP:0100723.

Allele frequency attached by ClinVar (database versions not stated): gnomAD exomes below 0.00001; TOPMed below 0.00001; ExAC 0.00001; gnomAD 0.00001; ESP Exome Variant Server 0.00008.
gnomAD v4.1: 1 of 1,614,038 alleles (0.000062%); highest among the groups gnomAD compares: Non-Finnish European, 0.000085%; no homozygotes.

Submissions (2):

Ambry Genetics
Classification: Uncertain significance for Hereditary cancer-predisposing syndrome. Last evaluated: 2023-11-29. Review status: criteria provided, single submitter. Criteria: Ambry Variant Classification Scheme 2023. Collection method: clinical testing. Allele origin: germline.
Comment: The p.K884N variant (also known as c.2652G>T), located in coding exon 19 of the KIT gene, results from a G to T substitution at nucleotide position 2652. The lysine at codon 884 is replaced by asparagine, an amino acid with similar properties. This amino acid position is conserved. In addition, this alteration is predicted to be tolerated by in silico analysis. Since supporting evidence is limited at this time, the clinical significance of this alteration remains unclear.

Labcorp Genetics (formerly Invitae), Labcorp
Classification: Uncertain significance for Gastrointestinal stromal tumor. Last evaluated: 2023-07-10. Review status: criteria provided, single submitter. Criteria: Invitae Variant Classification Sherloc (09022015). Collection method: clinical testing. Allele origin: germline.
Comment: This sequence change replaces lysine, which is basic and polar, with asparagine, which is neutral and polar, at codon 884 of the KIT protein (p.Lys884Asn). This variant is present in population databases (rs374440815, gnomAD 0.0009%). This variant has not been reported in the literature in individuals affected with KIT-related conditions. ClinVar contains an entry for this variant (Variation ID: 1398713). An algorithm developed to predict the effect of missense changes on protein structure and function (PolyPhen-2) suggests that this variant is likely to be disruptive. In summary, the available evidence is currently insufficient to determine the role of this variant in disease. Therefore, it has been classified as a Variant of Uncertain Significance.